The following is an entry in ClinVar:

NM_000814.6(GABRB3):c.1333G>A (p.Val445Met)

Gene: GABRB3 (gamma-aminobutyric acid type A receptor subunit beta3; minus strand). Cytogenetic location: 15q12.
Variant type: single nucleotide variant.
Coding change: c.1333G>A on transcript NM_000814.6 (MANE Select); coding-DNA position 1333, G replaced by A.
Protein change: p.Val445Met; replaces valine 445 with methionine.
Molecular consequence: missense variant.
Genome position (GRCh38, 1-based): chr15:26,547,882, C>T on the plus strand (G>A on the coding strand, the complement: GABRB3 is on the minus strand). VCF-style: chr15-26547882-C-T. GRCh37 (hg19) VCF-style: chr15-26793029-C-T.
Other names: c.1078G>A, p.Val360Met (NM_001191320.2, NM_001278631.2); c.1120G>A, p.Val374Met (NM_001191321.3); c.1333G>A, p.Val445Met (NM_021912.5); short protein forms V360M, V374M, V445M.
Identifiers: ClinVar variation 3901794 (VCV003901794.1).

ClinVar aggregate classification (germline): Uncertain significance (1 of 4 stars; one submission).

Submission:

GeneDx
Classification: Uncertain significance. Last evaluated: 2024-12-03. Review status: criteria provided, single submitter. Criteria: GeneDx Variant Classification Process June 2021. Collection method: clinical testing. Allele origin: germline. Affected: yes.
Comment: Not observed at significant frequency in large population cohorts (gnomAD); In silico analysis indicates that this missense variant does not alter protein structure/function; Has not been previously published as pathogenic or benign to our knowledge